The following is an entry in ClinVar:

ClinVar aggregate classification (germline): Uncertain significance (1 of 4 stars; one submission).

Conditions:
Nephronophthisis 15 (NPHP15). Identifiers: Orphanet 3156, MedGen C3541853, MONDO:0013917, OMIM 614845.

Allele frequency attached by ClinVar (database versions not stated): TOPMed below 0.00001.

Submission:

Labcorp Genetics (formerly Invitae), Labcorp
Classification: Uncertain significance for Nephronophthisis 15. Last evaluated: 2022-03-03. Review status: criteria provided, single submitter. Criteria: Invitae Variant Classification Sherloc (09022015). Collection method: clinical testing. Allele origin: germline.
Comment: This sequence change replaces histidine, which is basic and polar, with asparagine, which is neutral and polar, at codon 989 of the CEP164 protein (p.His989Asn). This variant is not present in population databases (gnomAD no frequency). This variant has not been reported in the literature in individuals affected with CEP164-related conditions. ClinVar contains an entry for this variant (Variation ID: 1002330). Algorithms developed to predict the effect of missense changes on protein structure and function are either unavailable or do not agree on the potential impact of this missense change (SIFT: "Deleterious"; PolyPhen-2: "Benign"; Align-GVGD: "Class C65"). In summary, the available evidence is currently insufficient to determine the role of this variant in disease. Therefore, it has been classified as a Variant of Uncertain Significance.

NM_014956.5(CEP164):c.2965C>A (p.His989Asn)

Gene: CEP164 (centrosomal protein 164; plus strand). Cytogenetic location: 11q23.3.
Variant type: single nucleotide variant.
Coding change: c.2965C>A on transcript NM_014956.5 (MANE Select); coding-DNA position 2965, C replaced by A.
Protein change: p.His989Asn; replaces histidine 989 with asparagine.
Molecular consequence: missense variant.
Genome position (GRCh38, 1-based): chr11:117,395,598, C>A. VCF-style: chr11-117395598-C-A. GRCh37 (hg19) VCF-style: chr11-117266314-C-A.
Other names: c.2974C>A, p.His992Asn (NM_001271933.2); short protein forms H989N, H992N.
Identifiers: ClinVar variation 1002330 (VCV001002330.6), dbSNP rs2045329063, ClinGen allele CA382731449.